The following is an entry in ClinVar:

NM_001111125.3(IQSEC2):c.2322T>C (p.Tyr774=)

Gene: IQSEC2 (IQ motif and Sec7 domain ArfGEF 2; minus strand). Cytogenetic location: Xp11.22.
Variant type: single nucleotide variant.
Coding change: c.2322T>C on transcript NM_001111125.3 (MANE Select); coding-DNA position 2322, T replaced by C.
Protein change: p.Tyr774=; no amino-acid change (tyrosine 774 retained).
Molecular consequence: synonymous variant.
Genome position (GRCh38, 1-based): chrX:53,248,858, A>G on the plus strand (T>C on the coding strand, the complement: IQSEC2 is on the minus strand). VCF-style: chrX-53248858-A-G. GRCh37 (hg19) VCF-style: chrX-53278040-A-G.
Other names: c.1707T>C, p.Tyr569= (NM_015075.2).
Identifiers: ClinVar variation 281170 (VCV000281170.20), dbSNP rs147706810, ClinGen allele CA10419949.

ClinVar aggregate classification (germline): Conflicting classifications of pathogenicity. Review status: criteria provided, conflicting classifications (1 of 4 stars). 5 submissions from 5 submitters: Uncertain significance (1); Benign (2); Likely benign (1). 1 of the submissions does not count toward it. Last evaluated 2026-01-13.

Conditions:
Inborn genetic diseases. Identifiers: MedGen C0950123, MeSH D030342.
IQSEC2-related disorder. Also called: IQSEC2-related condition.
Intellectual developmental disorder, X-linked 1. Also called: MENTAL RETARDATION, X-LINKED 18; MENTAL RETARDATION, X-LINKED 78; Atkin Flaitz Patil Smith syndrome; Intellectual disability, X-linked 1. Identifiers: Orphanet 777, MedGen C2931498, MONDO:0010656, OMIM 309530.

Allele frequency attached by ClinVar (database versions not stated): gnomAD exomes 0.00014 and 0.00030; ExAC 0.00011; TOPMed 0.00018; ESP Exome Variant Server 0.00038; gnomAD 0.00017.
gnomAD v4.1: 341 of 1,209,142 alleles (0.028%); highest among the groups gnomAD compares: Non-Finnish European, 0.036%; no homozygotes.

Submissions (5):

Labcorp Genetics (formerly Invitae), Labcorp
Classification: Benign for Intellectual developmental disorder, X-linked 1. Last evaluated: 2026-01-13. Review status: criteria provided, single submitter. Criteria: Invitae Variant Classification Sherloc (09022015). Collection method: clinical testing. Allele origin: germline.

GeneDx
Classification: Benign. Last evaluated: 2019-06-06. Review status: criteria provided, single submitter. Criteria: GeneDx Variant Classification Process June 2021. Collection method: clinical testing. Allele origin: germline. Affected: yes.

Ambry Genetics
Classification: Likely benign for Inborn genetic diseases. Last evaluated: 2018-06-20. Review status: criteria provided, single submitter. Criteria: Ambry Variant Classification Scheme 2023. Collection method: clinical testing. Allele origin: germline.

Eurofins Ntd Llc (ga)
Classification: Uncertain significance. Last evaluated: 2016-06-10. Review status: criteria provided, single submitter. Criteria: EGL Classification Definitions 2015. Collection method: clinical testing. Allele origin: germline. Observed: 2 variant alleles, 1 heterozygote, 1 hemizygote.

PreventionGenetics, part of Exact Sciences
Classification: Likely benign for IQSEC2-related condition. Last evaluated: 2019-10-01. Review status: no assertion criteria provided. Collection method: clinical testing. Allele origin: germline. Not counted in ClinVar's aggregate classification.
Comment: This variant is classified as likely benign based on ACMG/AMP sequence variant interpretation guidelines (Richards et al. 2015 PMID: 25741868, with internal and published modifications).